The following is an entry in ClinVar:

ClinVar aggregate classification (germline): Uncertain significance (0 of 4 stars; one submission).

Conditions:
CREBBP-related disorder. Also called: CREBBP-related condition; CREBBP-related disorders.

Submission:

PreventionGenetics, part of Exact Sciences
Classification: Uncertain significance for CREBBP-related condition. Last evaluated: 2024-05-30. Review status: no assertion criteria provided. Collection method: clinical testing. Allele origin: germline.
Comment: The CREBBP c.938A>G variant is predicted to result in the amino acid substitution p.Asp313Gly. To our knowledge, this variant has not been reported in the literature or in a large population database, indicating this variant is rare. At this time, the clinical significance of this variant is uncertain due to the absence of conclusive functional and genetic evidence.

NM_004380.3(CREBBP):c.938A>G (p.Asp313Gly)

Gene: CREBBP (CREB binding lysine acetyltransferase; minus strand). Cytogenetic location: 16p13.3.
Variant type: single nucleotide variant.
Coding change: c.938A>G on transcript NM_004380.3 (MANE Select); coding-DNA position 938, A replaced by G.
Protein change: p.Asp313Gly; replaces aspartic acid 313 with glycine.
Molecular consequence: missense variant.
Genome position (GRCh38, 1-based): chr16:3,810,640, T>C on the plus strand (A>G on the coding strand, the complement: CREBBP is on the minus strand). VCF-style: chr16-3810640-T-C. GRCh37 (hg19) VCF-style: chr16-3860641-T-C.
Other names: c.938A>G, p.Asp313Gly (NM_001079846.1); short protein forms D313G.
Identifiers: ClinVar variation 3346429 (VCV003346429.1).